The following is an entry in ClinVar:

NM_001127222.2(CACNA1A):c.4639A>T (p.Met1547Leu)

Gene: CACNA1A (calcium voltage-gated channel subunit alpha1 A; minus strand). Cytogenetic location: 19p13.13.
Variant type: single nucleotide variant.
Coding change: c.4639A>T on transcript NM_001127222.2 (MANE Select); coding-DNA position 4639, A replaced by T.
Protein change: p.Met1547Leu; replaces methionine 1547 with leucine.
Molecular consequence: missense variant.
Genome position (GRCh38, 1-based): chr19:13,255,211, T>A on the plus strand (A>T on the coding strand, the complement: CACNA1A is on the minus strand). VCF-style: chr19-13255211-T-A. GRCh37 (hg19) VCF-style: chr19-13366025-T-A.
Other names: c.4651A>T, p.Met1551Leu (NM_000068.4, NM_023035.3); c.4642A>T, p.Met1548Leu (NM_001127221.2, NM_001174080.2); short protein forms M1547L, M1548L, M1551L.
Identifiers: ClinVar variation 2014666 (VCV002014666.4), dbSNP rs2056513697, ClinGen allele CA404338588.

ClinVar aggregate classification (germline): Uncertain significance (1 of 4 stars; one submission).

Conditions:
Episodic ataxia type 2 (EA2). Also called: ATAXIA, EPISODIC, WITH NYSTAGMUS; ATAXIA, FAMILIAL PAROXYSMAL; CEREBELLAR ATAXIA, PAROXYSMAL, ACETAZOLAMIDE-RESPONSIVE; CEREBELLOPATHY, HEREDITARY PAROXYSMAL; ACETAZOLAMIDE-RESPONSIVE HEREDITARY PAROXYSMAL CEREBELLAR ATAXIA; EPISODIC ATAXIA, NYSTAGMUS-ASSOCIATED. Identifiers: Orphanet 97, MedGen C1720416, MONDO:0007163, OMIM 108500.
Developmental and epileptic encephalopathy, 42 (DEE42A). Also called: Epileptic encephalopathy, early infantile, 42; DEVELOPMENTAL AND EPILEPTIC ENCEPHALOPATHY 42A; EPILEPTIC ENCEPHALOPATHY, EARLY INFANTILE, 42A. Identifiers: MedGen C4310716, MONDO:0014917, OMIM 617106.

Submission:

Labcorp Genetics (formerly Invitae), Labcorp
Classification: Uncertain significance for Developmental and epileptic encephalopathy, 42; Episodic ataxia type 2. Last evaluated: 2024-09-23. Review status: criteria provided, single submitter. Criteria: Invitae Variant Classification Sherloc (09022015). Collection method: clinical testing. Allele origin: germline.
Comment: This sequence change replaces methionine, which is neutral and non-polar, with leucine, which is neutral and non-polar, at codon 1548 of the CACNA1A protein (p.Met1548Leu). This variant is not present in population databases (gnomAD no frequency). This variant has not been reported in the literature in individuals affected with CACNA1A-related conditions. ClinVar contains an entry for this variant (Variation ID: 2014666). Invitae Evidence Modeling of protein sequence and biophysical properties (such as structural, functional, and spatial information, amino acid conservation, physicochemical variation, residue mobility, and thermodynamic stability) indicates that this missense variant is expected to disrupt CACNA1A protein function with a positive predictive value of 95%. In summary, the available evidence is currently insufficient to determine the role of this variant in disease. Therefore, it has been classified as a Variant of Uncertain Significance.